The following is an entry in ClinVar:

NM_000548.5(TSC2):c.3228G>C (p.Gly1076=)

Gene: TSC2 (TSC complex subunit 2; plus strand). Cytogenetic location: 16p13.3.
Variant type: single nucleotide variant.
Coding change: c.3228G>C on transcript NM_000548.5 (MANE Select); coding-DNA position 3228, G replaced by C.
Protein change: p.Gly1076=; no amino-acid change (glycine 1076 retained).
Molecular consequence: synonymous variant.
Genome position (GRCh38, 1-based): chr16:2,079,372, G>C. VCF-style: chr16-2079372-G-C. GRCh37 (hg19) VCF-style: chr16-2129373-G-C.
Other names: c.3096G>C, p.Gly1032= (NM_001077183.3, NM_001370404.1); c.3228G>C, p.Gly1076= (NM_001114382.3); c.2988G>C, p.Gly996= (NM_001318827.2); c.2952G>C, p.Gly984= (NM_001318829.2); c.2496G>C, p.Gly832= (NM_001318831.2); c.3129G>C, p.Gly1043= (NM_001318832.2); c.3099G>C, p.Gly1033= (NM_001363528.2, NM_001370405.1, NM_021055.3).
Identifiers: ClinVar variation 759448 (VCV000759448.12), dbSNP rs771763773, ClinGen allele CA493042924.

ClinVar aggregate classification (germline): Benign/Likely benign. Review status: criteria provided, multiple submitters, no conflicts (2 of 4 stars). 3 submissions from 3 submitters: Benign (1); Likely benign (2). Last evaluated 2026-05-06.

Conditions:
Hereditary cancer-predisposing syndrome. Also called: Neoplastic Syndromes, Hereditary; Hereditary neoplastic syndrome; Hereditary Cancer Syndrome; Tumor predisposition. Identifiers: Orphanet 140162, MedGen C0027672, MeSH D009386, MONDO:0015356.
Tuberous sclerosis 2 (TSC2). Identifiers: Orphanet 805, MedGen C1860707, MONDO:0013199, OMIM 613254.

Submissions (3):

Ambry Genetics
Classification: Likely benign for Hereditary cancer-predisposing syndrome. Last evaluated: 2026-05-06. Review status: criteria provided, single submitter. Criteria: Ambry Variant Classification Scheme 2023. Collection method: clinical testing. Allele origin: germline.

Myriad Genetics, Inc.
Classification: Benign for Tuberous sclerosis 2. Last evaluated: 2025-05-28. Review status: criteria provided, single submitter. Criteria: Myriad Autosomal Dominant, Autosomal Recessive and X-Linked Classification Criteria (2023). Collection method: clinical testing. Allele origin: unknown.
Comment: This variant is considered benign. This variant is a silent/synonymous amino acid change and it is not expected to impact splicing.

Labcorp Genetics (formerly Invitae), Labcorp
Classification: Likely benign for Tuberous sclerosis 2. Last evaluated: 2023-10-17. Review status: criteria provided, single submitter. Criteria: Invitae Variant Classification Sherloc (09022015). Collection method: clinical testing. Allele origin: germline.